The following is an entry in ClinVar:

NM_004484.4(GPC3):c.169G>A (p.Val57Met)

Gene: GPC3 (glypican 3; minus strand). Cytogenetic location: Xq26.2.
Variant type: single nucleotide variant.
Coding change: c.169G>A on transcript NM_004484.4 (MANE Select); coding-DNA position 169, G replaced by A.
Protein change: p.Val57Met; replaces valine 57 with methionine.
Molecular consequence: missense variant.
Genome position (GRCh38, 1-based): chrX:133,985,281, C>T on the plus strand (G>A on the coding strand, the complement: GPC3 is on the minus strand). VCF-style: chrX-133985281-C-T. GRCh37 (hg19) VCF-style: chrX-133119308-C-T.
Other names: c.169G>A, p.Val57Met (NM_001164617.2, NM_001164618.2, NM_001164619.2); short protein forms V57M.
Identifiers: ClinVar variation 942763 (VCV000942763.10), dbSNP rs2076562120, ClinGen allele CA414706883.

ClinVar aggregate classification (germline): Uncertain significance (1 of 4 stars; one submission).

Conditions:
Wilms tumor 1 (WT1). Also called: Wilms tumor, somatic. Identifiers: Orphanet 654, MedGen CN033288, MONDO:0008679, OMIM 194070.

Submission:

Labcorp Genetics (formerly Invitae), Labcorp
Classification: Uncertain significance for Wilms tumor 1. Last evaluated: 2022-09-23. Review status: criteria provided, single submitter. Criteria: Invitae Variant Classification Sherloc (09022015). Collection method: clinical testing. Allele origin: germline.
Comment: This variant is not present in population databases (gnomAD no frequency). This variant has not been reported in the literature in individuals affected with GPC3-related conditions. ClinVar contains an entry for this variant (Variation ID: 942763). Advanced modeling of protein sequence and biophysical properties (such as structural, functional, and spatial information, amino acid conservation, physicochemical variation, residue mobility, and thermodynamic stability) performed at Invitae indicates that this missense variant is not expected to disrupt GPC3 protein function. In summary, the available evidence is currently insufficient to determine the role of this variant in disease. Therefore, it has been classified as a Variant of Uncertain Significance. This sequence change replaces valine, which is neutral and non-polar, with methionine, which is neutral and non-polar, at codon 57 of the GPC3 protein (p.Val57Met).